The following is an entry in ClinVar:

NM_020458.4(TTC7A):c.1919+98G>A

Gene: TTC7A (tetratricopeptide repeat domain 7A; plus strand). Cytogenetic location: 2p21.
Variant type: single nucleotide variant.
Coding change: c.1919+98G>A on transcript NM_020458.4 (MANE Select); 98 bases into the intron after coding-DNA position 1919, G replaced by A.
Molecular consequence: intron variant.
Genome position (GRCh38, 1-based): chr2:47,046,529, G>A. VCF-style: chr2-47046529-G-A. GRCh37 (hg19) VCF-style: chr2-47273668-G-A.
Other names: NC_000002.11:g.47273668G>A; c.1817+98G>A (NM_001288953.2); c.1919+98G>A (NM_001288951.2); c.857+98G>A (NM_001288955.2).
Identifiers: ClinVar variation 1278861 (VCV001278861.5), dbSNP rs12712986, ClinGen allele CA11011649.

ClinVar aggregate classification (germline): Benign. Review status: criteria provided, multiple submitters, no conflicts (2 of 4 stars). 3 submissions from 3 submitters: Benign (3). Last evaluated 2024-01-24.

Allele frequency attached by ClinVar (database versions not stated): TOPMed 0.25876; gnomAD 0.26226 and 0.25856; 1000 Genomes Project 0.22823; 1000 Genomes Project 30x 0.23173.
gnomAD v4.1: 223,527 of 898,120 alleles (25%); highest among the groups gnomAD compares: African/African-American, 28%; 28,552 homozygotes.

Submissions (6):

Unidad de Genómica Garrahan, Hospital de Pediatría Garrahan
Classification: Benign. Last evaluated: 2024-01-24. Review status: criteria provided, single submitter. Criteria: ACMG Guidelines, 2015. Collection method: clinical testing. Allele origin: germline. Affected: no. Observed: 45 variant alleles.
Comment: This variant is classified as Benign based on local population frequency. This variant was detected in 47% of patients studied by a panel of primary immunodeficiencies. Number of patients: 45. Only high quality variants are reported.

GeneDx
Classification: Benign. Last evaluated: 2018-07-09. Review status: criteria provided, single submitter. Criteria: GeneDx Variant Classification Process June 2021. Collection method: clinical testing. Allele origin: germline. Affected: yes.

Breakthrough Genomics
Classification: Benign. Review status: criteria provided, single submitter. Criteria: ACMG Guidelines, 2015. Collection method: not provided. Allele origin: germline. Inheritance: Autosomal recessive inheritance. Affected: yes.

Dr. Peter K. Rogan Lab, Western University
No classification provided (evidence only). Condition: Malignant lymphoma, large B-cell, diffuse. Review status: no classification provided. Collection method: in vitro. Allele origin: not applicable. Functional consequence: retained intron. Not counted in ClinVar's aggregate classification.

Dr. Peter K. Rogan Lab, Western University
No classification provided (evidence only). Condition: Malignant lymphoma, large B-cell, diffuse. Review status: no classification provided. Collection method: in vitro. Allele origin: not applicable. Functional consequence: retained intron. Not counted in ClinVar's aggregate classification.

Dr. Peter K. Rogan Lab, Western University
No classification provided (evidence only). Condition: Hepatocellular carcinoma. Review status: no classification provided. Collection method: in vitro. Allele origin: not applicable. Functional consequence: retained intron. Not counted in ClinVar's aggregate classification.